The following is an entry in ClinVar:

NM_138425.4(C12orf57):c.368T>C (p.Val123Ala)

Gene: C12orf57 (chromosome 12 open reading frame 57; plus strand). Cytogenetic location: 12p13.31.
Variant type: single nucleotide variant.
Coding change: c.368T>C on transcript NM_138425.4 (MANE Select); coding-DNA position 368, T replaced by C.
Protein change: p.Val123Ala; replaces valine 123 with alanine.
Molecular consequence: missense variant. On other transcripts: non-coding transcript variant (1).
Genome position (GRCh38, 1-based): chr12:6,945,909, T>C. VCF-style: chr12-6945909-T-C. GRCh37 (hg19) VCF-style: chr12-7055072-T-C.
Other names: c.368T>C, p.Val123Ala (NM_001301834.1); c.329T>C, p.Val110Ala (NM_001301836.2); c.281T>C, p.Val94Ala (NM_001301837.2); c.263T>C, p.Val88Ala (NM_001301838.2); short protein forms V88A, V94A, V123A, V110A.
Identifiers: ClinVar variation 2020371 (VCV002020371.4), dbSNP rs781853174, ClinGen allele CA383746139.

ClinVar aggregate classification (germline): Uncertain significance (1 of 4 stars; one submission).

Conditions:
Temtamy syndrome (TEMTYS). Also called: MENTAL RETARDATION WITH OR WITHOUT CRANIOFACIAL DYSMORPHISM, OCULAR COLOBOMA, OR ABNORMAL CORPUS CALLOSUM. Identifiers: Orphanet 1777, MedGen C1857512, MONDO:0009033, OMIM 218340.

Submission:

Labcorp Genetics (formerly Invitae), Labcorp
Classification: Uncertain significance for Temtamy syndrome. Last evaluated: 2022-07-29. Review status: criteria provided, single submitter. Criteria: Invitae Variant Classification Sherloc (09022015). Collection method: clinical testing. Allele origin: germline.
Comment: This sequence change replaces valine, which is neutral and non-polar, with alanine, which is neutral and non-polar, at codon 123 of the C12orf57 protein (p.Val123Ala). This variant is not present in population databases (gnomAD no frequency). This variant has not been reported in the literature in individuals affected with C12orf57-related conditions. Algorithms developed to predict the effect of missense changes on protein structure and function are either unavailable or do not agree on the potential impact of this missense change (SIFT: "Deleterious"; PolyPhen-2: "Benign"; Align-GVGD: "Class C0"). In summary, the available evidence is currently insufficient to determine the role of this variant in disease. Therefore, it has been classified as a Variant of Uncertain Significance.